The following is an entry in ClinVar:

ClinVar aggregate classification (germline): Uncertain significance (3 of 4 stars; one submission).

Conditions:
Open-angle glaucoma. Identifiers: MedGen C0017612, MONDO:0005338, HP:0012108.

Allele frequency attached by ClinVar (database versions not stated): ExAC 0.00002; gnomAD exomes 0.00001.
gnomAD v4.1: 3 of 1,608,840 alleles (0.00019%); highest among the groups gnomAD compares: East Asian, 0.0067%; no homozygotes.

Submission:

ClinGen Glaucoma Variant Curation Expert Panel
Classification: Uncertain significance for Open-angle glaucoma. Last evaluated: 2026-01-20. Review status: reviewed by expert panel. Criteria: ClinGen Glaucoma ACMG Specifications V2.0.0 Approved. Collection method: curation. Allele origin: germline. Inheritance: Autosomal dominant inheritance.
Comment: The c.780A>G variant in MYOC is a synonymous variant (p.Ala260=). The highest minor allele frequency of this variant was in the East Asian genetic ancestry group of gnomAD (v4.1.0) = 0.00006683 (3 alleles out of 44,890), which met the ≤ 0.0001 threshold set for PM2_Supporting in a genetic ancestry group of at least 10,000 alleles. The SpliceAI score = 0.01, which met the ≤ 0.1 threshold for BP4, suggesting that the variant does not impact MYOC function. This synonymous variant meets BP4, so BP7 is met. There was no functional evidence predicting a damaging or benign impact of this variant on MYOC function. 2 probands with primary open angle glaucoma have been reported carrying this variant (PMID: 12356829), which met PS4_Supporting (≥ 2 probands). In summary, this variant met the criteria to receive a score of 0 and to be classified as a variant of uncertain significance (uncertain significance classification range -1 to 5, adapted from PMID: 32720330) for primary open angle glaucoma based on the ACMG/AMP criteria met, as specified by the ClinGen Glaucoma VCEP (v2.0.0, 5 Dec 2024): BP4, BP7, PS4_Supporting, PM2_Supporting.

NM_000261.2(MYOC):c.780A>G (p.Ala260=)

Gene: MYOC (myocilin; minus strand). Cytogenetic location: 1q24.3.
Variant type: single nucleotide variant.
Coding change: c.780A>G on transcript NM_000261.2 (MANE Select); coding-DNA position 780, A replaced by G.
Protein change: p.Ala260=; no amino-acid change (alanine 260 retained).
Molecular consequence: synonymous variant.
Genome position (GRCh38, 1-based): chr1:171,636,660, T>C on the plus strand (A>G on the coding strand, the complement: MYOC is on the minus strand). VCF-style: chr1-171636660-T-C. GRCh37 (hg19) VCF-style: chr1-171605800-T-C.
Other names: NM_000261.2:c.780A>G.
Identifiers: ClinVar variation 2442287 (VCV002442287.2), dbSNP rs766500326, ClinGen allele CA1244156.